The following is an entry in ClinVar:

NM_005629.4(SLC6A8):c.1468G>A (p.Glu490Lys)

Gene: SLC6A8 (solute carrier family 6 member 8; plus strand). Cytogenetic location: Xq28.
Variant type: single nucleotide variant.
Coding change: c.1468G>A on transcript NM_005629.4 (MANE Select); coding-DNA position 1468, G replaced by A.
Protein change: p.Glu490Lys; replaces glutamic acid 490 with lysine.
Molecular consequence: missense variant.
Genome position (GRCh38, 1-based): chrX:153,694,419, G>A. VCF-style: chrX-153694419-G-A. GRCh37 (hg19) VCF-style: chrX-152959874-G-A.
Other names: c.1438G>A, p.Glu480Lys (NM_001142805.2); c.1123G>A, p.Glu375Lys (NM_001142806.1); short protein forms E375K, E480K, E490K.
Identifiers: ClinVar variation 3654455 (VCV003654455.2).

ClinVar aggregate classification (germline): Uncertain significance (1 of 4 stars; one submission).

Conditions:
Creatine transporter deficiency (CCDS1). Also called: Mental retardation , X-linked with seizures, short stature and midface hypoplasia; Mental retardation , X-linked, with creatine transport deficiency; X-linked creatine transporter deficiency; X-linked creatine deficiency syndrome; SLC6A8-Related Creatine Transporter Deficiency; CREATINE TRANSPORTER DEFECT. Identifiers: Orphanet 52503, MedGen C1845862, MONDO:0010305, OMIM 300352.

Submission:

Labcorp Genetics (formerly Invitae), Labcorp
Classification: Uncertain significance for Creatine transporter deficiency. Last evaluated: 2024-05-23. Review status: criteria provided, single submitter. Criteria: Invitae Variant Classification Sherloc (09022015). Collection method: clinical testing. Allele origin: germline.
Comment: This sequence change replaces glutamic acid, which is acidic and polar, with lysine, which is basic and polar, at codon 490 of the SLC6A8 protein (p.Glu490Lys). This variant is not present in population databases (gnomAD no frequency). This variant has not been reported in the literature in individuals affected with SLC6A8-related conditions. Advanced modeling of protein sequence and biophysical properties (such as structural, functional, and spatial information, amino acid conservation, physicochemical variation, residue mobility, and thermodynamic stability) has been performed at Invitae for this missense variant, however the output from this modeling did not meet the statistical confidence thresholds required to predict the impact of this variant on SLC6A8 protein function. In summary, the available evidence is currently insufficient to determine the role of this variant in disease. Therefore, it has been classified as a Variant of Uncertain Significance.